The following is an entry in ClinVar:

ClinVar aggregate classification (germline): Uncertain significance (1 of 4 stars; one submission).

Submission:

Labcorp Genetics (formerly Invitae), Labcorp
Classification: Uncertain significance. Last evaluated: 2020-08-04. Review status: criteria provided, single submitter. Criteria: Invitae Variant Classification Sherloc (09022015). Collection method: clinical testing. Allele origin: germline.
Comment: This sequence change falls in intron 9 of the PDE6A gene. It does not directly change the encoded amino acid sequence of the PDE6A protein, but it affects a nucleotide within the consensus splice site of the intron. In summary, the available evidence is currently insufficient to determine the role of this variant in disease. Therefore, it has been classified as a Variant of Uncertain Significance. Nucleotide substitutions within the consensus splice site are a relatively common cause of aberrant splicing (PMID: 17576681, 9536098). Algorithms developed to predict the effect of sequence changes on RNA splicing suggest that this variant may disrupt the consensus splice site, but this prediction has not been confirmed by published transcriptional studies. This variant has not been reported in the literature in individuals with PDE6A-related conditions. This variant is not present in population databases (ExAC no frequency).

Literature cited by the submitters: PubMed 17576681; PubMed 9536098.

NM_000440.3(PDE6A):c.1264-3C>G

Gene: PDE6A (phosphodiesterase 6A; minus strand). Cytogenetic location: 5q32.
Variant type: single nucleotide variant.
Coding change: c.1264-3C>G on transcript NM_000440.3 (MANE Select); 3 bases into the intron before coding-DNA position 1264, C replaced by G.
Molecular consequence: intron variant.
Genome position (GRCh38, 1-based): chr5:149,898,509, G>C on the plus strand (C>G on the coding strand, the complement: PDE6A is on the minus strand). VCF-style: chr5-149898509-G-C. GRCh37 (hg19) VCF-style: chr5-149278072-G-C.
Identifiers: ClinVar variation 839844 (VCV000839844.7), dbSNP rs1752843025, ClinGen allele CA916082788.